The following is an entry in ClinVar:

ClinVar aggregate classification (germline): Likely pathogenic (1 of 4 stars; one submission).

Submission:

GeneDx
Classification: Likely pathogenic. Last evaluated: 2024-06-20. Review status: criteria provided, single submitter. Criteria: GeneDx Variant Classification Process June 2021. Collection method: clinical testing. Allele origin: germline. Affected: yes.
Comment: Not observed at significant frequency in large population cohorts (gnomAD); In silico analysis supports that this missense variant has a deleterious effect on protein structure/function; This variant is associated with the following publications: (PMID: 35778421)

NM_001009944.3(PKD1):c.8327T>C (p.Leu2776Pro)

Gene: PKD1 (polycystin 1, transient receptor potential channel interacting; minus strand). Cytogenetic location: 16p13.3.
Variant type: single nucleotide variant.
Coding change: c.8327T>C on transcript NM_001009944.3 (MANE Select); coding-DNA position 8327, T replaced by C.
Protein change: p.Leu2776Pro; replaces leucine 2776 with proline.
Molecular consequence: missense variant.
Genome position (GRCh38, 1-based): chr16:2,103,730, A>G on the plus strand (T>C on the coding strand, the complement: PKD1 is on the minus strand). VCF-style: chr16-2103730-A-G. GRCh37 (hg19) VCF-style: chr16-2153731-A-G.
Other names: c.8327T>C, p.Leu2776Pro (NM_000296.4); short protein forms L2776P.
Identifiers: ClinVar variation 3391511 (VCV003391511.1).